The following is an entry in ClinVar:

ClinVar aggregate classification (germline): Uncertain significance. Review status: criteria provided, multiple submitters, no conflicts (2 of 4 stars). 2 submissions from 2 submitters: Uncertain significance (2). Last evaluated 2026-03-26.

Conditions:
SIPA1L3-related disorder. Also called: SIPA1L3-related condition.

Allele frequency attached by ClinVar (database versions not stated): gnomAD 0.00001; gnomAD exomes 0.00003; TOPMed 0.00003; ExAC 0.00004.
gnomAD v4.1: 45 of 1,570,900 alleles (0.0029%); highest among the groups gnomAD compares: South Asian, 0.0046%; no homozygotes.

Submissions (2):

PreventionGenetics, part of Exact Sciences
Classification: Uncertain significance for SIPA1L3-related condition. Last evaluated: 2026-03-26. Review status: criteria provided, single submitter. Criteria: ACMG Guidelines, 2015. Collection method: clinical testing. Allele origin: germline.
Comment: The SIPA1L3 c.4760G>A variant is predicted to result in the amino acid substitution p.Arg1587His. To our knowledge, this variant has not been reported in the literature. This variant is reported in 0.010% of alleles in individuals of African descent in gnomAD. At this time, the clinical significance of this variant is uncertain due to the absence of conclusive functional and genetic evidence.

Labcorp Genetics (formerly Invitae), Labcorp
Classification: Uncertain significance. Last evaluated: 2023-12-05. Review status: criteria provided, single submitter. Criteria: Invitae Variant Classification Sherloc (09022015). Collection method: clinical testing. Allele origin: germline.
Comment: This sequence change replaces arginine, which is basic and polar, with histidine, which is basic and polar, at codon 1587 of the SIPA1L3 protein (p.Arg1587His). The frequency data for this variant in the population databases is considered unreliable, as metrics indicate poor data quality at this position in the gnomAD database. This variant has not been reported in the literature in individuals affected with SIPA1L3-related conditions. An algorithm developed to predict the effect of missense changes on protein structure and function (PolyPhen-2) suggests that this variant is likely to be disruptive. In summary, the available evidence is currently insufficient to determine the role of this variant in disease. Therefore, it has been classified as a Variant of Uncertain Significance.

NM_015073.3(SIPA1L3):c.4760G>A (p.Arg1587His)

Gene: SIPA1L3 (signal induced proliferation associated 1 like 3; plus strand). Cytogenetic location: 19q13.13.
Variant type: single nucleotide variant.
Coding change: c.4760G>A on transcript NM_015073.3 (MANE Select); coding-DNA position 4760, G replaced by A.
Protein change: p.Arg1587His; replaces arginine 1587 with histidine.
Molecular consequence: missense variant.
Genome position (GRCh38, 1-based): chr19:38,193,700, G>A. VCF-style: chr19-38193700-G-A. GRCh37 (hg19) VCF-style: chr19-38684340-G-A.
Other names: c.4760G>A (NM_015073.2); short protein forms R1587H.
Identifiers: ClinVar variation 2713478 (VCV002713478.4), dbSNP rs773516053, ClinGen allele CA9410461.